The following is an entry in ClinVar:

ClinVar aggregate classification (germline): Uncertain significance. Review status: criteria provided, multiple submitters, no conflicts (2 of 4 stars). 2 submissions from 2 submitters: Uncertain significance (2). Last evaluated 2025-09-30.

Conditions:
Hereditary cancer-predisposing syndrome. Also called: Neoplastic Syndromes, Hereditary; Tumor predisposition; Hereditary neoplastic syndrome; Hereditary Cancer Syndrome. Identifiers: Orphanet 140162, MedGen C0027672, MeSH D009386, MONDO:0015356.

Allele frequency attached by ClinVar (database versions not stated): ExAC 0.00002.

Submissions (2):

Labcorp Genetics (formerly Invitae), Labcorp
Classification: Uncertain significance. Last evaluated: 2025-09-30. Review status: criteria provided, single submitter. Criteria: Invitae Variant Classification Sherloc (09022015). Collection method: clinical testing. Allele origin: germline.
Comment: This sequence change replaces arginine, which is basic and polar, with cysteine, which is neutral and slightly polar, at codon 258 of the HOXB13 protein (p.Arg258Cys). This variant is present in population databases (rs759838136, gnomAD 0.006%). This variant has not been reported in the literature in individuals affected with HOXB13-related conditions. ClinVar contains an entry for this variant (Variation ID: 827225). Invitae Evidence Modeling of protein sequence and biophysical properties (such as structural, functional, and spatial information, amino acid conservation, physicochemical variation, residue mobility, and thermodynamic stability) has been performed for this missense variant. However, the output from this modeling did not meet the statistical confidence thresholds required to predict the impact of this variant on HOXB13 protein function. In summary, the available evidence is currently insufficient to determine the role of this variant in disease. Therefore, it has been classified as a Variant of Uncertain Significance.

Ambry Genetics
Classification: Uncertain significance for Hereditary cancer-predisposing syndrome. Last evaluated: 2025-03-14. Review status: criteria provided, single submitter. Criteria: Ambry Variant Classification Scheme 2023. Collection method: clinical testing. Allele origin: germline.
Comment: The p.R258C variant (also known as c.772C>T), located in coding exon 2 of the HOXB13 gene, results from a C to T substitution at nucleotide position 772. The arginine at codon 258 is replaced by cysteine, an amino acid with highly dissimilar properties. This amino acid position is highly conserved in available vertebrate species. In addition, this alteration is predicted to be deleterious by in silico analysis. Since supporting evidence is limited at this time, the clinical significance of this alteration remains unclear.

NM_006361.6(HOXB13):c.772C>T (p.Arg258Cys)

Gene: HOXB13 (homeobox B13; minus strand). Cytogenetic location: 17q21.32.
Variant type: single nucleotide variant.
Coding change: c.772C>T on transcript NM_006361.6 (MANE Select); coding-DNA position 772, C replaced by T.
Protein change: p.Arg258Cys; replaces arginine 258 with cysteine.
Molecular consequence: missense variant.
Genome position (GRCh38, 1-based): chr17:48,726,873, G>A on the plus strand (C>T on the coding strand, the complement: HOXB13 is on the minus strand). VCF-style: chr17-48726873-G-A. GRCh37 (hg19) VCF-style: chr17-46804235-G-A.
Other names: short protein forms R258C.
Identifiers: ClinVar variation 827225 (VCV000827225.13), dbSNP rs759838136, ClinGen allele CA8633912.